The following is an entry in ClinVar:

NM_000051.4(ATM):c.1826A>T (p.Glu609Val)

Gene: ATM (ATM serine/threonine kinase; plus strand). Cytogenetic location: 11q22.3.
Variant type: single nucleotide variant.
Coding change: c.1826A>T on transcript NM_000051.4 (MANE Select); coding-DNA position 1826, A replaced by T.
Protein change: p.Glu609Val; replaces glutamic acid 609 with valine.
Molecular consequence: missense variant.
Genome position (GRCh38, 1-based): chr11:108,252,840, A>T. VCF-style: chr11-108252840-A-T. GRCh37 (hg19) VCF-style: chr11-108123567-A-T.
Other names: c.1826A>T, p.Glu609Val (NM_001351834.2); short protein forms E609V.
Identifiers: ClinVar variation 922858 (VCV000922858.12), dbSNP rs2080227710, ClinGen allele CA382535768.

ClinVar aggregate classification (germline): Uncertain significance. Review status: criteria provided, multiple submitters, no conflicts (2 of 4 stars). 2 submissions from 2 submitters: Uncertain significance (2). Last evaluated 2024-04-17.

Conditions:
Hereditary cancer-predisposing syndrome. Also called: Hereditary Cancer Syndrome; Hereditary neoplastic syndrome; Neoplastic Syndromes, Hereditary; Tumor predisposition. Identifiers: Orphanet 140162, MedGen C0027672, MeSH D009386, MONDO:0015356.
Ataxia-telangiectasia syndrome (AT). Also called: Ataxia-telangiectasia, complementation group E; LOUIS-BAR SYNDROME; Cerebello-oculocutaneous telangiectasia; Immunodeficiency with ataxia telangiectasia; Ataxia-telangiectasia, complementation group D; AT, COMPLEMENTATION GROUP C. Identifiers: Orphanet 100, MedGen C0004135, MONDO:0008840, OMIM 208900.

Submissions (2):

Labcorp Genetics (formerly Invitae), Labcorp
Classification: Uncertain significance for Ataxia-telangiectasia syndrome. Last evaluated: 2024-04-17. Review status: criteria provided, single submitter. Criteria: Invitae Variant Classification Sherloc (09022015). Collection method: clinical testing. Allele origin: germline.
Comment: This sequence change replaces glutamic acid, which is acidic and polar, with valine, which is neutral and non-polar, at codon 609 of the ATM protein (p.Glu609Val). This variant is not present in population databases (gnomAD no frequency). This variant has not been reported in the literature in individuals affected with ATM-related conditions. ClinVar contains an entry for this variant (Variation ID: 922858). An algorithm developed to predict the effect of missense changes on protein structure and function (PolyPhen-2) suggests that this variant is likely to be tolerated. In summary, the available evidence is currently insufficient to determine the role of this variant in disease. Therefore, it has been classified as a Variant of Uncertain Significance.

Color Diagnostics, LLC DBA Color Health
Classification: Uncertain significance for Hereditary cancer-predisposing syndrome. Last evaluated: 2024-03-06. Review status: criteria provided, single submitter. Criteria: ACMG Guidelines, 2015. Collection method: clinical testing. Allele origin: germline.
Comment: This missense variant replaces glutamic acid with valine at codon 609 of the ATM protein. Computational prediction tool suggests that this variant may not impact protein structure and function (internally defined REVEL score threshold <=0.5, PMID: 27666373). Splice site prediction tools suggest that this variant may not impact RNA splicing. To our knowledge, functional studies have not been performed for this variant. This variant has not been reported in individuals affected with hereditary cancer in the literature. This variant has not been identified in the general population by the Genome Aggregation Database (gnomAD). The available evidence is insufficient to determine the role of this variant in disease conclusively. Therefore, this variant is classified as a Variant of Uncertain Significance.